The following is an entry in ClinVar:

NM_002529.4(NTRK1):c.202C>G (p.Leu68Val)

Gene: NTRK1 (neurotrophic receptor tyrosine kinase 1; plus strand). Cytogenetic location: 1q23.1.
Variant type: single nucleotide variant.
Coding change: c.202C>G on transcript NM_002529.4 (MANE Select); coding-DNA position 202, C replaced by G.
Protein change: p.Leu68Val; replaces leucine 68 with valine.
Molecular consequence: missense variant. On other transcripts: intron variant (1).
Genome position (GRCh38, 1-based): chr1:156,861,136, C>G. VCF-style: chr1-156861136-C-G. GRCh37 (hg19) VCF-style: chr1-156830928-C-G.
Other names: c.202C>G, p.Leu68Val (NM_001012331.2); c.123-3218C>G (NM_001007792.1); short protein forms L68V.
Identifiers: ClinVar variation 578718 (VCV000578718.7), dbSNP rs779430325, ClinGen allele CA342930170.

ClinVar aggregate classification (germline): Uncertain significance. Review status: criteria provided, single submitter (1 of 4 stars). 2 submissions from 2 submitters: Uncertain significance (1). 1 of the submissions does not count toward it. Last evaluated 2021-09-01.

Conditions:
Hereditary insensitivity to pain with anhidrosis (CIPA). Also called: INSENSITIVITY TO PAIN, CONGENITAL, WITH ANHIDROSIS; NEUROPATHY, CONGENITAL SENSORY, WITH ANHIDROSIS; HSAN Type IV; NTRK1 Congenital Insensitivity to Pain with Anhidrosis; hereditary sensory and autonomic neuropathy type 4; FAMILIAL DYSAUTONOMIA, TYPE II. Identifiers: Orphanet 642, MedGen C0020074, MONDO:0009746, OMIM 256800.

gnomAD v4.1: 4 of 1,576,228 alleles (0.00025%); highest among the groups gnomAD compares: Non-Finnish European, 0.00034%; no homozygotes.

Submissions (2):

Labcorp Genetics (formerly Invitae), Labcorp
Classification: Uncertain significance for Hereditary insensitivity to pain with anhidrosis. Last evaluated: 2021-09-01. Review status: criteria provided, single submitter. Criteria: Invitae Variant Classification Sherloc (09022015). Collection method: clinical testing. Allele origin: germline.
Comment: This sequence change replaces leucine with valine at codon 68 of the NTRK1 protein (p.Leu68Val). The leucine residue is moderately conserved and there is a small physicochemical difference between leucine and valine. The frequency data for this variant in the population databases is considered unreliable, as metrics indicate insufficient coverage at this position in the ExAC database. This variant has not been reported in the literature in individuals affected with NTRK1-related conditions. Algorithms developed to predict the effect of missense changes on protein structure and function (SIFT, PolyPhen-2, Align-GVGD) all suggest that this variant is likely to be tolerated. Algorithms developed to predict the effect of sequence changes on RNA splicing suggest that this variant may create or strengthen a splice site. In summary, the available evidence is currently insufficient to determine the role of this variant in disease. Therefore, it has been classified as a Variant of Uncertain Significance.

Natera, Inc.
Classification: Uncertain significance for Hereditary insensitivity to pain with anhidrosis. Last evaluated: 2025-02-20. Review status: no assertion criteria provided. Collection method: clinical testing. Allele origin: germline. Not counted in ClinVar's aggregate classification.